The following is an entry in ClinVar:

NM_002662.5(PLD1):c.541-2A>G

Gene: PLD1 (phospholipase D1; minus strand). Cytogenetic location: 3q26.31.
Variant type: single nucleotide variant.
Coding change: c.541-2A>G on transcript NM_002662.5 (MANE Select); the canonical splice acceptor site of the intron before coding-DNA position 541, A replaced by G.
Molecular consequence: splice acceptor variant.
Genome position (GRCh38, 1-based): chr3:171,733,511, T>C on the plus strand (A>G on the coding strand, the complement: PLD1 is on the minus strand). VCF-style: chr3-171733511-T-C. GRCh37 (hg19) VCF-style: chr3-171451301-T-C.
Other names: c.541-2A>G (NM_001130081.3).
Identifiers: ClinVar variation 4982130 (VCV004982130.1).
Genomic context (GRCh38, chr3:171,733,511, plus strand): 5'-TGATAGTTTCTATACATGGGCATTTTTAGTATCTTTGTCAAGTAATCTTCCAGTTGTTTC[T>C]GTAATGCAAATATTTTAGATAAGTGTTAACATGGTCATATTTATTTTTAAAAATTAAACA-3'

ClinVar aggregate classification (germline): Likely pathogenic (1 of 4 stars; one submission).

Conditions:
PLD1-related disorder. Also called: PLD1-related condition.

Submission:

PreventionGenetics, part of Exact Sciences
Classification: Likely pathogenic for PLD1-related condition. Last evaluated: 2024-10-27. Review status: criteria provided, single submitter. Criteria: ACMG Guidelines, 2015. Collection method: clinical testing. Allele origin: germline.
Comment: The PLD1 c.541-2A>G variant is predicted to disrupt the AG splice acceptor site and interfere with normal splicing. To our knowledge, this variant has not been reported in the literature or in a large population database (gnomAD), indicating this variant is rare. Variants that disrupt the consensus splice acceptor site in PLD1 are expected to be pathogenic. This variant is interpreted as likely pathogenic.